The following is an entry in ClinVar:

ClinVar aggregate classification (germline): Uncertain significance (1 of 4 stars; one submission).

Conditions:
Congenital myopathy with internal nuclei and atypical cores. Also called: Myopathy, centronuclear, 4. Identifiers: Orphanet 319160, MedGen C4707232, MONDO:0013890, OMIM 614807.

Submission:

Labcorp Genetics (formerly Invitae), Labcorp
Classification: Uncertain significance for Congenital myopathy with internal nuclei and atypical cores. Last evaluated: 2023-02-16. Review status: criteria provided, single submitter. Criteria: Invitae Variant Classification Sherloc (09022015). Collection method: clinical testing. Allele origin: germline.
Comment: This sequence change replaces aspartic acid, which is acidic and polar, with glutamic acid, which is acidic and polar, at codon 333 of the CCDC78 protein (p.Asp333Glu). This variant is not present in population databases (gnomAD no frequency). This variant has not been reported in the literature in individuals affected with CCDC78-related conditions. ClinVar contains an entry for this variant (Variation ID: 953553). Advanced modeling of protein sequence and biophysical properties (such as structural, functional, and spatial information, amino acid conservation, physicochemical variation, residue mobility, and thermodynamic stability) performed at Invitae indicates that this missense variant is not expected to disrupt CCDC78 protein function. In summary, the available evidence is currently insufficient to determine the role of this variant in disease. Therefore, it has been classified as a Variant of Uncertain Significance.

NM_001378030.1(CCDC78):c.999C>G (p.Asp333Glu)

Gene: CCDC78 (coiled-coil domain containing 78; minus strand). Cytogenetic location: 16p13.3.
Variant type: single nucleotide variant.
Coding change: c.999C>G on transcript NM_001378030.1 (MANE Select); coding-DNA position 999, C replaced by G.
Protein change: p.Asp333Glu; replaces aspartic acid 333 with glutamic acid.
Molecular consequence: missense variant. On other transcripts: non-coding transcript variant (5), intron variant (1).
Genome position (GRCh38, 1-based): chr16:724,160, G>C on the plus strand (C>G on the coding strand, the complement: CCDC78 is on the minus strand). VCF-style: chr16-724160-G-C. GRCh37 (hg19) VCF-style: chr16-774160-G-C.
Other names: c.999C>G, p.Asp333Glu (NM_001031737.3); c.432C>G, p.Asp144Glu (NM_001378033.1); c.953+162C>G (NM_001378031.1); short protein forms D144E, D333E.
Identifiers: ClinVar variation 953553 (VCV000953553.9), dbSNP rs1450643801, ClinGen allele CA394098973.